The following is an entry in ClinVar:

ClinVar aggregate classification (germline): Benign/Likely benign. Review status: criteria provided, multiple submitters, no conflicts (2 of 4 stars). 6 submissions from 6 submitters: Benign (1); Likely benign (5). Last evaluated 2026-01-26.

Conditions:
Norman-Roberts syndrome (LIS2). Also called: Lissencephaly 2 (Norman-Roberts type). Identifiers: Orphanet 89844, MedGen C0796089, MONDO:0009760, OMIM 257320.
Familial temporal lobe epilepsy 7. Identifiers: Orphanet 101046, MedGen C4225327, MONDO:0014639, OMIM 616436.
Epilepsy, familial temporal lobe, 1. Identifiers: Orphanet 101046, MedGen CN030884, MONDO:0700090, OMIM 600512.

Allele frequency attached by ClinVar (database versions not stated): gnomAD exomes 0.00018 and 0.00056; ExAC 0.00071; 1000 Genomes Project 30x 0.00172; ESP Exome Variant Server 0.00177; 1000 Genomes Project 0.00200; gnomAD 0.00201 and 0.00212; TOPMed 0.00220.
gnomAD v4.1: 563 of 1,552,224 alleles (0.036%); highest among the groups gnomAD compares: African/African-American, 0.72%; 1 homozygote.

Submissions (6):

Labcorp Genetics (formerly Invitae), Labcorp
Classification: Benign for Familial temporal lobe epilepsy 7; Norman-Roberts syndrome. Last evaluated: 2026-01-26. Review status: criteria provided, single submitter. Criteria: Invitae Variant Classification Sherloc (09022015). Collection method: clinical testing. Allele origin: germline.

CeGaT Center for Human Genetics Tuebingen
Classification: Likely benign. Last evaluated: 2025-10-01. Review status: criteria provided, single submitter. Criteria: CeGaT Center For Human Genetics Tuebingen Variant Classification Criteria Version 2. Collection method: clinical testing. Allele origin: germline. Affected: yes. Observed: 1 variant allele.
Comment: RELN: BP4, BS2

Fulgent Genetics
Classification: Likely benign for Norman-Roberts syndrome; Epilepsy, familial temporal lobe, 1; Familial temporal lobe epilepsy 7. Last evaluated: 2021-10-16. Review status: criteria provided, single submitter. Criteria: ACMG Guidelines, 2015. Collection method: clinical testing. Allele origin: unknown.

GeneDx
Classification: Likely benign. Last evaluated: 2021-04-13. Review status: criteria provided, single submitter. Criteria: GeneDx Variant Classification Process June 2021. Collection method: clinical testing. Allele origin: germline. Affected: yes.

Illumina Laboratory Services, Illumina
Classification: Likely benign for Norman-Roberts syndrome. Last evaluated: 2018-01-13. Review status: criteria provided, single submitter. Criteria: ICSL Variant Classification Criteria 13 December 2019. Collection method: clinical testing. Allele origin: germline.
Comment: This variant was observed in the ICSL laboratory as part of a predisposition screen in an ostensibly healthy population. It had not been previously curated by ICSL or reported in the Human Gene Mutation Database (HGMD: prior to June 1st, 2018), and was therefore a candidate for classification through an automated scoring system. Utilizing variant allele frequency, disease prevalence and penetrance estimates, and inheritance mode, an automated score was calculated to assess if this variant is too frequent to cause the disease. Based on the score and internal cut-off values, a variant classified as likely benign is not then subjected to further curation. The score for this variant resulted in a classification of likely benign for this disease.

Eurofins Ntd Llc (ga)
Classification: Likely benign. Last evaluated: 2014-11-22. Review status: criteria provided, single submitter. Criteria: EGL Classification Definitions 2015. Collection method: clinical testing. Allele origin: germline. Observed: 1 variant allele, 1 heterozygote.

NM_005045.4(RELN):c.1442-8T>C

Gene: RELN (reelin; minus strand). Cytogenetic location: 7q22.1.
Variant type: single nucleotide variant.
Coding change: c.1442-8T>C on transcript NM_005045.4 (MANE Select); 8 bases into the intron before coding-DNA position 1442, T replaced by C.
Molecular consequence: intron variant.
Genome position (GRCh38, 1-based): chr7:103,654,213, A>G on the plus strand (T>C on the coding strand, the complement: RELN is on the minus strand). VCF-style: chr7-103654213-A-G. GRCh37 (hg19) VCF-style: chr7-103294660-A-G.
Other names: c.1442-8T>C (NM_173054.3).
Identifiers: ClinVar variation 194219 (VCV000194219.26), dbSNP rs181761096, ClinGen allele CA201038.